The following is an entry in ClinVar:

NM_198428.3(BBS9):c.2426A>G (p.Lys809Arg)

Gene: BBS9 (Bardet-Biedl syndrome 9; plus strand). Cytogenetic location: 7p14.3.
Variant type: single nucleotide variant.
Coding change: c.2426A>G on transcript NM_198428.3 (MANE Select); coding-DNA position 2426, A replaced by G.
Protein change: p.Lys809Arg; replaces lysine 809 with arginine.
Molecular consequence: missense variant. On other transcripts: non-coding transcript variant (3).
Genome position (GRCh38, 1-based): chr7:33,534,081, A>G. VCF-style: chr7-33534081-A-G. GRCh37 (hg19) VCF-style: chr7-33573693-A-G.
Other names: c.2321A>G, p.Lys774Arg (NM_001033604.2); c.2411A>G, p.Lys804Arg (NM_001033605.2); c.2426A>G, p.Lys809Arg (NM_001348036.1, NM_001348041.4, NM_001348043.3 and 1 more transcripts); c.1877A>G, p.Lys626Arg (NM_001348037.3); c.2153A>G, p.Lys718Arg (NM_001348038.3); c.2048A>G, p.Lys683Arg (NM_001348039.3); c.2306A>G, p.Lys769Arg (NM_001348040.3, NM_014451.4); c.2291A>G, p.Lys764Arg (NM_001348042.3); and 2 more; short protein forms K652R, K769R, K774R, K718R, K804R, K809R, K683R, K687R.
Identifiers: ClinVar variation 5001267 (VCV005001267.1).
Genomic context (GRCh38, chr7:33,534,081, plus strand): 5'-AGGAGCAGGCTTTGAACCTCAACAGCCAGCTGAACATACCCAAAGACACAAGCCAACTGA[A>G]GAAACATATCACCTTGCTCTGCGATAGATTATCCAAAGGTGGCCGTCTCTGCCTAAGTAC-3'
Protein context (NP_940820.1, residues 799-819): LNIPKDTSQL[Lys809Arg]KHITLLCDRL

ClinVar aggregate classification (germline): Uncertain significance (1 of 4 stars; one submission).

Conditions:
BBS9-related disorder. Also called: BBS9-related condition.

gnomAD v4.1: 3 of 1,614,228 alleles (0.00019%); highest among the groups gnomAD compares: Non-Finnish European, 0.00025%; no homozygotes.

Submission:

PreventionGenetics, part of Exact Sciences
Classification: Uncertain significance for BBS9-related condition. Last evaluated: 2024-10-13. Review status: criteria provided, single submitter. Criteria: ACMG Guidelines, 2015. Collection method: clinical testing. Allele origin: germline.
Comment: The BBS9 c.2426A>G variant is predicted to result in the amino acid substitution p.Lys809Arg. To our knowledge, this variant has not been reported in the literature or in a large population database (gnomAD), indicating this variant is rare. At this time, the clinical significance of this variant is uncertain due to the absence of conclusive functional and genetic evidence.